The following is an entry in ClinVar:

NM_014956.5(CEP164):c.1915C>A (p.Gln639Lys)

Gene: CEP164 (centrosomal protein 164; plus strand). Cytogenetic location: 11q23.3.
Variant type: single nucleotide variant.
Coding change: c.1915C>A on transcript NM_014956.5 (MANE Select); coding-DNA position 1915, C replaced by A.
Protein change: p.Gln639Lys; replaces glutamine 639 with lysine.
Molecular consequence: missense variant.
Genome position (GRCh38, 1-based): chr11:117,387,393, C>A. VCF-style: chr11-117387393-C-A. GRCh37 (hg19) VCF-style: chr11-117258109-C-A.
Other names: c.1924C>A, p.Gln642Lys (NM_001271933.2); c.1915C>A (NM_014956.4); short protein forms Q639K, Q642K.
Identifiers: ClinVar variation 1047592 (VCV001047592.7), dbSNP rs2044090670, ClinGen allele CA382719003.

ClinVar aggregate classification (germline): Uncertain significance. Review status: criteria provided, multiple submitters, no conflicts (2 of 4 stars). 2 submissions from 2 submitters: Uncertain significance (2). Last evaluated 2022-08-17.

Conditions:
Nephronophthisis 15 (NPHP15). Identifiers: Orphanet 3156, MedGen C3541853, MONDO:0013917, OMIM 614845.
Inborn genetic diseases. Identifiers: MedGen C0950123, MeSH D030342.

Submissions (2):

Ambry Genetics
Classification: Uncertain significance for Inborn genetic diseases. Last evaluated: 2022-08-17. Review status: criteria provided, single submitter. Criteria: Ambry Variant Classification Scheme 2023. Collection method: clinical testing. Allele origin: germline.

Labcorp Genetics (formerly Invitae), Labcorp
Classification: Uncertain significance for Nephronophthisis 15. Last evaluated: 2021-09-10. Review status: criteria provided, single submitter. Criteria: Invitae Variant Classification Sherloc (09022015). Collection method: clinical testing. Allele origin: germline.
Comment: This sequence change replaces glutamine with lysine at codon 639 of the CEP164 protein (p.Gln639Lys). The glutamine residue is highly conserved and there is a small physicochemical difference between glutamine and lysine. This variant is not present in population databases (ExAC no frequency). This variant has not been reported in the literature in individuals affected with CEP164-related conditions. Algorithms developed to predict the effect of missense changes on protein structure and function output the following: SIFT: "Deleterious"; PolyPhen-2: "Benign"; Align-GVGD: "Class C15". The lysine amino acid residue is found in multiple mammalian species, which suggests that this missense change does not adversely affect protein function. In summary, the available evidence is currently insufficient to determine the role of this variant in disease. Therefore, it has been classified as a Variant of Uncertain Significance.